The following is an entry in ClinVar:

NM_001846.4(COL4A2):c.2461G>A (p.Gly821Ser)

Gene: COL4A2 (collagen type IV alpha 2 chain; plus strand). Cytogenetic location: 13q34.
Variant type: single nucleotide variant.
Coding change: c.2461G>A on transcript NM_001846.4 (MANE Select); coding-DNA position 2461, G replaced by A.
Protein change: p.Gly821Ser; replaces glycine 821 with serine.
Molecular consequence: missense variant.
Genome position (GRCh38, 1-based): chr13:110,478,038, G>A. VCF-style: chr13-110478038-G-A. GRCh37 (hg19) VCF-style: chr13-111130385-G-A.
Other names: short protein forms G821S.
Identifiers: ClinVar variation 2790152 (VCV002790152.3), dbSNP rs1405042949, ClinGen allele CA388725843.

ClinVar aggregate classification (germline): Uncertain significance (1 of 4 stars; one submission).

Allele frequency attached by ClinVar (database versions not stated): TOPMed below 0.00001.

Submission:

Labcorp Genetics (formerly Invitae), Labcorp
Classification: Uncertain significance. Last evaluated: 2025-06-01. Review status: criteria provided, single submitter. Criteria: Invitae Variant Classification Sherloc (09022015). Collection method: clinical testing. Allele origin: germline.
Comment: This sequence change replaces glycine, which is neutral and non-polar, with serine, which is neutral and polar, at codon 821 of the COL4A2 protein (p.Gly821Ser). This variant is not present in population databases (gnomAD no frequency). This variant has not been reported in the literature in individuals affected with COL4A2-related conditions. ClinVar contains an entry for this variant (Variation ID: 2790152). Invitae Evidence Modeling of protein sequence and biophysical properties (such as structural, functional, and spatial information, amino acid conservation, physicochemical variation, residue mobility, and thermodynamic stability) has been performed for this missense variant. However, the output from this modeling did not meet the statistical confidence thresholds required to predict the impact of this variant on COL4A2 protein function. In summary, the available evidence is currently insufficient to determine the role of this variant in disease. Therefore, it has been classified as a Variant of Uncertain Significance.